The following is an entry in ClinVar:

ClinVar aggregate classification (germline): Uncertain significance (1 of 4 stars; one submission).

Submission:

GeneDx
Classification: Uncertain significance. Last evaluated: 2025-06-30. Review status: criteria provided, single submitter. Criteria: GeneDx Variant Classification Process June 2021. Collection method: clinical testing. Allele origin: germline. Affected: yes.
Comment: Not observed at significant frequency in large population cohorts (gnomAD); In silico analysis suggests that this missense variant does not alter protein structure/function; Has not been previously published as pathogenic or benign to our knowledge

NM_001323289.2(CDKL5):c.1439C>G (p.Pro480Arg)

Gene: CDKL5 (cyclin dependent kinase like 5; plus strand). Cytogenetic location: Xp22.13.
Variant type: single nucleotide variant.
Coding change: c.1439C>G on transcript NM_001323289.2 (MANE Select); coding-DNA position 1439, C replaced by G.
Protein change: p.Pro480Arg; replaces proline 480 with arginine.
Molecular consequence: missense variant.
Genome position (GRCh38, 1-based): chrX:18,604,363, C>G. VCF-style: chrX-18604363-C-G. GRCh37 (hg19) VCF-style: chrX-18622483-C-G.
Other names: c.1439C>G, p.Pro480Arg (NM_001037343.2, NM_003159.3); short protein forms P480R.
Identifiers: ClinVar variation 4681076 (VCV004681076.1).